The following is an entry in ClinVar:

ClinVar aggregate classification (germline): Uncertain significance (1 of 4 stars; one submission).

Conditions:
NRAP-related disorder. Also called: NRAP-related condition.

Allele frequency attached by ClinVar (database versions not stated): gnomAD exomes below 0.00001; ExAC 0.00002; 1000 Genomes Project 30x 0.00031; 1000 Genomes Project 0.00040.
gnomAD v4.1: 2 of 1,613,848 alleles (0.00012%); highest among the groups gnomAD compares: African/African-American, 0.0027%; no homozygotes.

Submission:

PreventionGenetics, part of Exact Sciences
Classification: Uncertain significance for NRAP-related condition. Last evaluated: 2023-06-12. Review status: criteria provided, single submitter. Criteria: ACMG Guidelines, 2015. Collection method: clinical testing. Allele origin: germline.
Comment: The NRAP c.754G>A variant is predicted to result in the amino acid substitution p.Ala252Thr. To our knowledge, this variant has not been reported in the literature. This variant is reported in 0.012% of alleles in individuals of African descent in gnomAD. At this time, the clinical significance of this variant is uncertain due to the absence of conclusive functional and genetic evidence.

NM_198060.4(NRAP):c.754G>A (p.Ala252Thr)

Gene: NRAP (nebulin related anchoring protein; minus strand). Cytogenetic location: 10q25.3.
Variant type: single nucleotide variant.
Coding change: c.754G>A on transcript NM_198060.4 (MANE Select); coding-DNA position 754, G replaced by A.
Protein change: p.Ala252Thr; replaces alanine 252 with threonine.
Molecular consequence: missense variant.
Genome position (GRCh38, 1-based): chr10:113,650,467, C>T on the plus strand (G>A on the coding strand, the complement: NRAP is on the minus strand). VCF-style: chr10-113650467-C-T. GRCh37 (hg19) VCF-style: chr10-115410226-C-T.
Other names: c.754G>A, p.Ala252Thr (NM_001261463.2, NM_001322945.2, NM_006175.5); short protein forms A252T.
Identifiers: ClinVar variation 2632043 (VCV002632043.1), dbSNP rs185422708, ClinGen allele CA5695817.
Genomic context (GRCh38, chr10:113,650,467, plus strand): 5'-CTAACATGACCACATTGTCAAGGACACTTACATCACTTGCCAGCTCATTGGCTCTTTTGG[C>T]TATCTGATAGGCGGGTGTGATCATCGCAGGGAAACTGCCTTTCCCTCTTTGTTGTTCATA-3'
Protein context (NP_932326.2, residues 242-262): PAMITPAYQI[Ala252Thr]KRANELASDV